The following is an entry in ClinVar:

NM_001017995.3(SH3PXD2B):c.2093G>A (p.Arg698Gln)

Gene: SH3PXD2B (SH3 and PX domains 2B; minus strand). Cytogenetic location: 5q35.1.
Variant type: single nucleotide variant.
Coding change: c.2093G>A on transcript NM_001017995.3 (MANE Select); coding-DNA position 2093, G replaced by A.
Protein change: p.Arg698Gln; replaces arginine 698 with glutamine.
Molecular consequence: missense variant. On other transcripts: intron variant (1).
Genome position (GRCh38, 1-based): chr5:172,339,012, C>T on the plus strand (G>A on the coding strand, the complement: SH3PXD2B is on the minus strand). VCF-style: chr5-172339012-C-T. GRCh37 (hg19) VCF-style: chr5-171766016-C-T.
Other names: c.1188+7124G>A (NM_001308175.2); short protein forms R698Q.
Identifiers: ClinVar variation 497282 (VCV000497282.10), dbSNP rs144659619, ClinGen allele CA3561044.
Genomic context (GRCh38, chr5:172,339,012, plus strand): 5'-CCATCCTGTTTGCCCGTCCTGTCCTGGGCGCGGCCAGGCCCCTCTCCTGGGAGGAAGCTT[C>T]GGCTGAAGGCCACGTCTTGGCCCCCTACTGCCTGGGGGCCCTCCCCATCCAACAAGGACT-3'
Protein context (NP_001017995.1, residues 688-708): AVGGQDVAFS[Arg698Gln]SFLPGEGPGR

ClinVar aggregate classification (germline): Uncertain significance. Review status: criteria provided, multiple submitters, no conflicts (2 of 4 stars). 3 submissions from 3 submitters: Uncertain significance (3). Last evaluated 2021-08-31.

Conditions:
Frank-Ter Haar syndrome. Also called: BORRONE DERMATOCARDIOSKELETAL SYNDROME; Borrone di Rocco Crovato syndrome; TER HAAR SYNDROME; MELNICK-NEEDLES SYNDROME, AUTOSOMAL RECESSIVE. Identifiers: Orphanet 1266, Orphanet 137834, MedGen C1855305, MONDO:0009579, OMIM 249420.

Allele frequency attached by ClinVar (database versions not stated): gnomAD exomes 0.00007 and 0.00014; 1000 Genomes Project 0.00020; ExAC 0.00020; 1000 Genomes Project 30x 0.00031; gnomAD 0.00043 and 0.00048; TOPMed 0.00051; ESP Exome Variant Server 0.00062.
gnomAD v4.1: 177 of 1,614,082 alleles (0.011%); highest among the groups gnomAD compares: African/African-American, 0.14%; no homozygotes.

Submissions (3):

Labcorp Genetics (formerly Invitae), Labcorp
Classification: Uncertain significance. Last evaluated: 2021-08-31. Review status: criteria provided, single submitter. Criteria: Invitae Variant Classification Sherloc (09022015). Collection method: clinical testing. Allele origin: germline.
Comment: This sequence change replaces arginine with glutamine at codon 698 of the SH3PXD2B protein (p.Arg698Gln). The arginine residue is weakly conserved and there is a small physicochemical difference between arginine and glutamine. This variant is present in population databases (rs144659619, ExAC 0.2%). This variant has not been reported in the literature in individuals affected with SH3PXD2B-related conditions. ClinVar contains an entry for this variant (Variation ID: 497282). Algorithms developed to predict the effect of missense changes on protein structure and function (SIFT, PolyPhen-2, Align-GVGD) all suggest that this variant is likely to be tolerated. In summary, the available evidence is currently insufficient to determine the role of this variant in disease. Therefore, it has been classified as a Variant of Uncertain Significance.

Fulgent Genetics
Classification: Uncertain significance for Frank-Ter Haar syndrome. Last evaluated: 2018-10-31. Review status: criteria provided, single submitter. Criteria: ACMG Guidelines, 2015. Collection method: clinical testing. Allele origin: unknown.

Eurofins Ntd Llc (ga)
Classification: Uncertain significance. Last evaluated: 2016-10-07. Review status: criteria provided, single submitter. Criteria: EGL Classification Definitions 2015. Collection method: clinical testing. Allele origin: germline. Observed: 1 variant allele, 1 heterozygote.